The following is an entry in ClinVar:

ClinVar aggregate classification (germline): Benign/Likely benign. Review status: criteria provided, multiple submitters, no conflicts (2 of 4 stars). 3 submissions from 3 submitters: Benign (1); Likely benign (2). Last evaluated 2025-10-13.

Conditions:
Alzheimer disease. Also called: Alzheimer's disease; Presenile and senile dementia. Identifiers: Orphanet 1020, MedGen C0002395, MeSH D000544, MONDO:0004975, HP:0002511.

Allele frequency attached by ClinVar (database versions not stated): gnomAD 0.00004; TOPMed 0.00008; ExAC 0.00009; gnomAD exomes 0.00009 and 0.00011; ESP Exome Variant Server 0.00023.
gnomAD v4.1: 168 of 1,614,024 alleles (0.01%); highest among the groups gnomAD compares: Non-Finnish European, 0.013%; no homozygotes.

Submissions (3):

Labcorp Genetics (formerly Invitae), Labcorp
Classification: Likely benign for Alzheimer disease. Last evaluated: 2025-10-13. Review status: criteria provided, single submitter. Criteria: Invitae Variant Classification Sherloc (09022015). Collection method: clinical testing. Allele origin: germline.

Athena Diagnostics
Classification: Benign. Last evaluated: 2025-09-18. Review status: criteria provided, single submitter. Criteria: Athena Diagnostics Criteria. Collection method: clinical testing. Allele origin: unknown.
Comment: The frequency of this variant in the general population is higher than would generally be expected for pathogenic variants in this gene. Computational tools yielded predictions that this variant is unlikely to have an effect on normal RNA splicing. This nucleotide position exhibits low evolutionary conservation.

Women's Health and Genetics/Laboratory Corporation of America, LabCorp
Classification: Likely benign. Last evaluated: 2025-05-23. Review status: criteria provided, single submitter. Criteria: LabCorp Variant Classification Summary - May 2015. Collection method: clinical testing. Allele origin: germline.

NM_000484.4(APP):c.1809C>T (p.Thr603=)

Gene: APP (amyloid beta precursor protein; minus strand). Cytogenetic location: 21q21.3.
Variant type: single nucleotide variant.
Coding change: c.1809C>T on transcript NM_000484.4 (MANE Select); coding-DNA position 1809, C replaced by T.
Protein change: p.Thr603=; no amino-acid change (threonine 603 retained).
Molecular consequence: synonymous variant.
Genome position (GRCh38, 1-based): chr21:25,911,841, G>A on the plus strand (C>T on the coding strand, the complement: APP is on the minus strand). VCF-style: chr21-25911841-G-A. GRCh37 (hg19) VCF-style: chr21-27284153-G-A.
Other names: c.1809C>T (NM_000484.3); c.1737C>T, p.Thr579= (NM_001136016.3); c.1416C>T, p.Thr472= (NM_001136129.3); c.1641C>T, p.Thr547= (NM_001136130.3, NM_001385253.1); c.1479C>T, p.Thr493= (NM_001136131.3); c.1809C>T, p.Thr603= (NM_001204301.2); c.1752C>T, p.Thr584= (NM_001204302.2, NM_201413.3); c.1584C>T, p.Thr528= (NM_001204303.2, NM_201414.3).
Identifiers: ClinVar variation 1591970 (VCV001591970.10), dbSNP rs150151009, ClinGen allele CA9987191.
Genomic context (GRCh38, chr21:25,911,841, plus strand): 5'-AGAATGCCACGGCTGGAGATCGTCCAGGCTGAACTCTCCATTCACGGGAAGGAGCTCCAC[G>A]GTGGTTTTCGTTTCGGTCAAAGATGGCATGAGAGCATCGTTTCCGTAACTGATCCTTGGT-3'
Protein context (NP_000475.1, residues 593-613): LMPSLTETKT[Thr603=]VELLPVNGEF